The following is an entry in ClinVar:

ClinVar aggregate classification (germline): Uncertain significance (1 of 4 stars; one submission).

Submission:

GeneDx
Classification: Uncertain significance. Last evaluated: 2024-09-19. Review status: criteria provided, single submitter. Criteria: GeneDx Variant Classification Process June 2021. Collection method: clinical testing. Allele origin: germline. Affected: yes.
Comment: Not observed at significant frequency in large population cohorts (gnomAD); In silico analysis indicates that this missense variant does not alter protein structure/function; Has not been previously published as pathogenic or benign to our knowledge

NM_001009944.3(PKD1):c.8188G>T (p.Asp2730Tyr)

Gene: PKD1 (polycystin 1, transient receptor potential channel interacting; minus strand). Cytogenetic location: 16p13.3.
Variant type: single nucleotide variant.
Coding change: c.8188G>T on transcript NM_001009944.3 (MANE Select); coding-DNA position 8188, G replaced by T.
Protein change: p.Asp2730Tyr; replaces aspartic acid 2730 with tyrosine.
Molecular consequence: missense variant.
Genome position (GRCh38, 1-based): chr16:2,103,869, C>A on the plus strand (G>T on the coding strand, the complement: PKD1 is on the minus strand). VCF-style: chr16-2103869-C-A. GRCh37 (hg19) VCF-style: chr16-2153870-C-A.
Other names: c.8188G>T, p.Asp2730Tyr (NM_000296.4); short protein forms D2730Y.
Identifiers: ClinVar variation 3774053 (VCV003774053.1).